The following is an entry in ClinVar:

NM_022455.5(NSD1):c.7459G>A (p.Glu2487Lys)

Gene: NSD1 (nuclear receptor binding SET domain protein 1; plus strand). Cytogenetic location: 5q35.3.
Variant type: single nucleotide variant.
Coding change: c.7459G>A on transcript NM_022455.5 (MANE Select); coding-DNA position 7459, G replaced by A.
Protein change: p.Glu2487Lys; replaces glutamic acid 2487 with lysine.
Molecular consequence: missense variant.
Genome position (GRCh38, 1-based): chr5:177,294,827, G>A. VCF-style: chr5-177294827-G-A. GRCh37 (hg19) VCF-style: chr5-176721828-G-A.
Other names: c.6586G>A, p.Glu2196Lys (NM_001365684.2, NM_001409308.1, NM_172349.5); c.7459G>A, p.Glu2487Lys (NM_001409301.1, NM_001409302.1, NM_001409303.1); c.7039G>A, p.Glu2347Lys (NM_001409304.1); c.6706G>A, p.Glu2236Lys (NM_001409305.1); c.6697G>A, p.Glu2233Lys (NM_001409306.1, NM_001409307.1); c.6337G>A, p.Glu2113Lys (NM_001409309.1); short protein forms E2113K, E2196K, E2233K, E2236K, E2347K, E2487K.
Identifiers: ClinVar variation 3347112 (VCV003347112.1).
Genomic context (GRCh38, chr5:177,294,827, plus strand): 5'-GAGCGGGCAGCTTCACCTCATCAGGTCACACCACAGGCTGATGAGAAGATGCCAGTGTTG[G>A]AGTCAAGTTCATGGCCTGCCAGCAAAGGTCTGGGGCATATGCCGAGAGCTGTTGAGAAAG-3'
Protein context (NP_071900.2, residues 2477-2497): PQADEKMPVL[Glu2487Lys]SSSWPASKGL

ClinVar aggregate classification (germline): Uncertain significance (0 of 4 stars; one submission).

Conditions:
NSD1-related disorder. Also called: NSD1-related condition.

gnomAD v4.1: 2 of 1,612,628 alleles (0.00012%); highest among the groups gnomAD compares: Non-Finnish European, 0.00017%; no homozygotes.

Submission:

PreventionGenetics, part of Exact Sciences
Classification: Uncertain significance for NSD1-related condition. Last evaluated: 2024-07-30. Review status: no assertion criteria provided. Collection method: clinical testing. Allele origin: germline.
Comment: The NSD1 c.7459G>A variant is predicted to result in the amino acid substitution p.Glu2487Lys. To our knowledge, this variant has not been reported in the literature. This variant is reported in 0.00088% of alleles in individuals of European (Non-Finnish) descent in gnomAD. At this time, the clinical significance of this variant is uncertain due to the absence of conclusive functional and genetic evidence.